The following is an entry in ClinVar:

NM_000059.4(BRCA2):c.6448A>C (p.Lys2150Gln)

Gene: BRCA2 (BRCA2 DNA repair associated; plus strand). Cytogenetic location: 13q13.1.
Variant type: single nucleotide variant.
Coding change: c.6448A>C on transcript NM_000059.4 (MANE Select); coding-DNA position 6448, A replaced by C.
Protein change: p.Lys2150Gln; replaces lysine 2150 with glutamine.
Molecular consequence: missense variant.
Genome position (GRCh38, 1-based): chr13:32,340,803, A>C. VCF-style: chr13-32340803-A-C. GRCh37 (hg19) VCF-style: chr13-32914940-A-C.
Other names: short protein forms K2150Q.
Identifiers: ClinVar variation 481041 (VCV000481041.20), dbSNP rs1403648108, ClinGen allele CA387789324.

ClinVar aggregate classification (germline): Conflicting classifications of pathogenicity. Review status: criteria provided, conflicting classifications (1 of 4 stars). 8 submissions from 8 submitters: Uncertain significance (3); Likely benign (2). 3 of the submissions do not count toward it. Last evaluated 2025-12-15.

Conditions:
Breast-ovarian cancer, familial, susceptibility to, 2 (BROVCA2). Also called: BRCA2 Hereditary Breast and Ovarian Cancer. Identifiers: Orphanet 145, MedGen C2675520, MONDO:0012933, OMIM 612555. Disease mechanism: loss of function.
Familial cancer of breast. Also called: BREAST CANCER, FAMILIAL; Hereditary breast cancer; hereditary breast carcinoma. Identifiers: Orphanet 227535, MedGen C0346153, MONDO:0016419, OMIM 114480. Disease mechanism: loss of function.
Hereditary breast ovarian cancer syndrome. Also called: Hereditary breast and ovarian cancer syndrome (HBOC); Breast and ovarian cancer; Hereditary breast and ovarian cancer syndrome; Hereditary breast and ovarian cancer; Hereditary breast and/or ovarian cancer syndrome; BRCA1- and BRCA2-Associated Hereditary Breast and Ovarian Cancer. Identifiers: Orphanet 145, MedGen C0677776, MeSH D061325, MONDO:0003582. Disease mechanism: loss of function.
Hereditary cancer-predisposing syndrome. Also called: Hereditary neoplastic syndrome; Neoplastic Syndromes, Hereditary; Tumor predisposition; Hereditary Cancer Syndrome. Identifiers: Orphanet 140162, MedGen C0027672, MeSH D009386, MONDO:0015356.

Allele frequency attached by ClinVar (database versions not stated): gnomAD exomes below 0.00001.
gnomAD v4.1: 1 of 1,593,346 alleles (0.000063%); highest among the groups gnomAD compares: East Asian, 0.0022%; no homozygotes.

Submissions (8):

Labcorp Genetics (formerly Invitae), Labcorp
Classification: Uncertain significance for Hereditary breast ovarian cancer syndrome. Last evaluated: 2025-12-15. Review status: criteria provided, single submitter. Criteria: Invitae Variant Classification Sherloc (09022015). Collection method: clinical testing. Allele origin: germline.
Comment: This sequence change replaces lysine, which is basic and polar, with glutamine, which is neutral and polar, at codon 2150 of the BRCA2 protein (p.Lys2150Gln). This variant is present in population databases (no rsID available, gnomAD 0.006%). This missense change has been observed in individual(s) with breast cancer (PMID: 17100994, 30415210, 32467295). ClinVar contains an entry for this variant (Variation ID: 481041). Invitae Evidence Modeling of protein sequence and biophysical properties (such as structural, functional, and spatial information, amino acid conservation, physicochemical variation, residue mobility, and thermodynamic stability) indicates that this missense variant is not expected to disrupt BRCA2 protein function with a negative predictive value of 95%. In summary, the available evidence is currently insufficient to determine the role of this variant in disease. Therefore, it has been classified as a Variant of Uncertain Significance.

University of Washington Department of Laboratory Medicine, University of Washington
Classification: Likely benign for Hereditary cancer-predisposing syndrome. Last evaluated: 2023-03-23. Review status: criteria provided, single submitter. Criteria: Dines et al. (Genet Med. 2020). Collection method: curation. Allele origin: germline.
Comment: Missense variant in a coldspot region where missense variants are very unlikely to be pathogenic (PMID:31911673).

BRCA2 exon 11 coldspot. Reclassification based on statistical prior probability.

GeneDx
Classification: Uncertain significance. Last evaluated: 2022-12-28. Review status: criteria provided, single submitter. Criteria: GeneDx Variant Classification Process June 2021. Collection method: clinical testing. Allele origin: germline. Affected: yes.
Comment: Not observed at significant frequency in large population cohorts (gnomAD); In silico analysis supports that this missense variant does not alter protein structure/function; Also known as 6676A>C; Observed in individuals with breast or gynecologic cancer (Han et al., 2006; Kim et al., 2006; Seong et al., 2009; Ha et al., 2020); This variant is associated with the following publications: (PMID: 17100994, 19656164, 16949048, 32467295, 30415210, 29884841, 32377563, 33078592)

Ambry Genetics
Classification: Uncertain significance for Hereditary cancer-predisposing syndrome. Last evaluated: 2022-04-07. Review status: criteria provided, single submitter. Criteria: Ambry Variant Classification Scheme 2023. Collection method: clinical testing. Allele origin: germline.
Comment: The p.K2150Q variant (also known as c.6448A>C), located in coding exon 10 of the BRCA2 gene, results from an A to C substitution at nucleotide position 6448. The lysine at codon 2150 is replaced by glutamine, an amino acid with similar properties. This alteration has been identified in multiple individuals diagnosed with breast cancer (Han SH et al. Clin Genet, 2006 Dec;70:496-501; Kim BY et al. Biochem Biophys Res Commun, 2006 Oct;349:604-10; Seong MW et al. Clin Genet, 2009 Aug;76:152-60). This amino acid position is not well conserved in available vertebrate species. In addition, this alteration is predicted to be tolerated by in silico analysis. Since supporting evidence is limited at this time, the clinical significance of this alteration remains unclear.

Department of Pathology and Laboratory Medicine, Sinai Health System
Classification: Likely benign for Familial cancer of breast; Breast-ovarian cancer, familial, susceptibility to, 2. Last evaluated: 2021-01-26. Review status: criteria provided, single submitter. Criteria: ACMG Guidelines, 2015. Collection method: clinical testing. Allele origin: germline. Affected: yes.

Counsyl
Classification: Uncertain significance for Breast-ovarian cancer, familial, susceptibility to, 2. Last evaluated: 2017-05-19. Review status: no assertion criteria provided. Collection method: clinical testing. Allele origin: unknown. Not counted in ClinVar's aggregate classification.

Clinical Genetics DNA and cytogenetics Diagnostics Lab, Erasmus MC, Erasmus Medical Center
Classification: Likely benign. Review status: no assertion criteria provided. Collection method: clinical testing. Allele origin: germline. Affected: yes. Study: VKGL Data-share Consensus. Not counted in ClinVar's aggregate classification.

Joint Genome Diagnostic Labs from Nijmegen and Maastricht, Radboudumc and MUMC+
Classification: Likely benign. Review status: no assertion criteria provided. Collection method: clinical testing. Allele origin: germline. Affected: yes. Study: VKGL Data-share Consensus. Not counted in ClinVar's aggregate classification.

Literature cited by the submitters: PubMed 17100994 (cited by 3 submitters); PubMed 30415210 (cited by Labcorp Genetics (formerly Invitae), Labcorp); PubMed 32467295 (cited by Labcorp Genetics (formerly Invitae), Labcorp); PubMed 16949048 (cited by Ambry Genetics and Department of Pathology and Laboratory Medicine, Sinai Health System); PubMed 19656164 (cited by 3 submitters).